The following is an entry in ClinVar:

ClinVar aggregate classification (germline): Uncertain significance (1 of 4 stars; one submission).

Allele frequency attached by ClinVar (database versions not stated): gnomAD exomes below 0.00001.
gnomAD v4.1: 3 of 1,613,996 alleles (0.00019%); highest among the groups gnomAD compares: Non-Finnish European, 0.00025%; no homozygotes.

Submission:

GeneDx
Classification: Uncertain significance. Last evaluated: 2025-07-26. Review status: criteria provided, single submitter. Criteria: GeneDx Variant Classification Process June 2021. Collection method: clinical testing. Allele origin: germline. Affected: yes.
Comment: Has not been previously published as pathogenic or benign to our knowledge; Not observed at significant frequency in large population cohorts (gnomAD); In silico analysis suggests that this missense variant does not alter protein structure/function

NM_139215.3(TAF15):c.927T>A (p.His309Gln)

Gene: TAF15 (TATA-box binding protein associated factor 15; plus strand). Cytogenetic location: 17q12.
Variant type: single nucleotide variant.
Coding change: c.927T>A on transcript NM_139215.3 (MANE Select); coding-DNA position 927, T replaced by A.
Protein change: p.His309Gln; replaces histidine 309 with glutamine.
Molecular consequence: missense variant.
Genome position (GRCh38, 1-based): chr17:35,842,380, T>A. VCF-style: chr17-35842380-T-A. GRCh37 (hg19) VCF-style: chr17-34169384-T-A.
Other names: c.918T>A, p.His306Gln (NM_003487.4); short protein forms H306Q, H309Q.
Identifiers: ClinVar variation 1308875 (VCV001308875.3), dbSNP rs2143826554, ClinGen allele CA399221378.
Genomic context (GRCh38, chr17:35,842,380, plus strand): 5'-GGAGGTATAGAGTAGCATTGCTTCAAAGCTGATTTCTTTTTTCTTAGGAAAAGAATTCCA[T>A]GGCAACATCATTAAAGTGTCCTTTGCCACTAGAAGACCTGAATTCATGAGAGGAGGTGGA-3'
Protein context (NP_631961.1, residues 299-319): AIDWFDGKEF[His309Gln]GNIIKVSFAT